The following is an entry in ClinVar:

NM_032043.3(BRIP1):c.1794+2T>C

Gene: BRIP1 (BRCA1 interacting DNA helicase 1; minus strand). Cytogenetic location: 17q23.2.
Variant type: single nucleotide variant.
Coding change: c.1794+2T>C on transcript NM_032043.3 (MANE Select); the canonical splice donor site of the intron after coding-DNA position 1794, T replaced by C.
Molecular consequence: splice donor variant.
Genome position (GRCh38, 1-based): chr17:61,780,838, A>G on the plus strand (T>C on the coding strand, the complement: BRIP1 is on the minus strand). VCF-style: chr17-61780838-A-G. GRCh37 (hg19) VCF-style: chr17-59858199-A-G.
Identifiers: ClinVar variation 4082082 (VCV004082082.1).

ClinVar aggregate classification (germline): Likely pathogenic (1 of 4 stars; one submission).

Conditions:
Familial cancer of breast. Also called: Hereditary breast cancer; BREAST CANCER, FAMILIAL; hereditary breast carcinoma. Identifiers: Orphanet 227535, MedGen C0346153, MONDO:0016419, OMIM 114480. Disease mechanism: loss of function.

gnomAD v4.1: 2 of 1,614,008 alleles (0.00012%); highest among the groups gnomAD compares: Non-Finnish European, 0.00017%; no homozygotes.

Submission:

Department of Human Genetics, Hannover Medical School
Classification: Likely pathogenic for Familial cancer of breast. Last evaluated: 2025-09-08. Review status: criteria provided, single submitter. Criteria: ACMG Guidelines, 2015. Collection method: clinical testing. Allele origin: germline. Affected: yes.
Comment: PVS1, PM2_Supporting